The following is an entry in ClinVar:

ClinVar aggregate classification (germline): Uncertain significance. Review status: criteria provided, single submitter (1 of 4 stars). 2 submissions from 2 submitters: Uncertain significance (1). 1 of the submissions does not count toward it. Last evaluated 2022-02-24.

Conditions:
DCHS1-related disorder. Also called: DCHS1-related condition.

Allele frequency attached by ClinVar (database versions not stated): ExAC 0.00001; gnomAD 0.00001; gnomAD exomes 0.00001; TOPMed 0.00002.
gnomAD v4.1: 13 of 1,613,484 alleles (0.00081%); highest among the groups gnomAD compares: East Asian, 0.0045%; no homozygotes.

Submissions (2):

Labcorp Genetics (formerly Invitae), Labcorp
Classification: Uncertain significance. Last evaluated: 2022-02-24. Review status: criteria provided, single submitter. Criteria: Invitae Variant Classification Sherloc (09022015). Collection method: clinical testing. Allele origin: germline.
Comment: This sequence change replaces arginine, which is basic and polar, with tryptophan, which is neutral and slightly polar, at codon 2002 of the DCHS1 protein (p.Arg2002Trp). This variant is present in population databases (rs770566798, gnomAD 0.01%). This variant has not been reported in the literature in individuals affected with DCHS1-related conditions. Algorithms developed to predict the effect of missense changes on protein structure and function (SIFT, PolyPhen-2, Align-GVGD) all suggest that this variant is likely to be disruptive. In summary, the available evidence is currently insufficient to determine the role of this variant in disease. Therefore, it has been classified as a Variant of Uncertain Significance.

PreventionGenetics, part of Exact Sciences
Classification: Uncertain significance for DCHS1-related condition. Last evaluated: 2024-09-03. Review status: no assertion criteria provided. Collection method: clinical testing. Allele origin: germline. Not counted in ClinVar's aggregate classification.
Comment: The DCHS1 c.6004C>T variant is predicted to result in the amino acid substitution p.Arg2002Trp. To our knowledge, this variant has not been reported in the literature. This variant is reported in 0.010% of alleles in individuals of East Asian descent in gnomAD. At this time, the clinical significance of this variant is uncertain due to the absence of conclusive functional and genetic evidence.

NM_003737.4(DCHS1):c.6004C>T (p.Arg2002Trp)

Gene: DCHS1 (dachsous cadherin-related 1; minus strand). Cytogenetic location: 11p15.4.
Variant type: single nucleotide variant.
Coding change: c.6004C>T on transcript NM_003737.4 (MANE Select); coding-DNA position 6004, C replaced by T.
Protein change: p.Arg2002Trp; replaces arginine 2002 with tryptophan.
Molecular consequence: missense variant.
Genome position (GRCh38, 1-based): chr11:6,627,035, G>A on the plus strand (C>T on the coding strand, the complement: DCHS1 is on the minus strand). VCF-style: chr11-6627035-G-A. GRCh37 (hg19) VCF-style: chr11-6648266-G-A.
Other names: c.6004C>T (NM_003737.3); short protein forms R2002W.
Identifiers: ClinVar variation 1502133 (VCV001502133.9), dbSNP rs770566798, ClinGen allele CA5859975.